The following is an entry in ClinVar:

NM_000238.4(KCNH2):c.2991T>A (p.Ile997=)

Gene: KCNH2 (potassium voltage-gated channel subfamily H member 2; minus strand). Cytogenetic location: 7q36.1.
Variant type: single nucleotide variant.
Coding change: c.2991T>A on transcript NM_000238.4 (MANE Select); coding-DNA position 2991, T replaced by A.
Protein change: p.Ile997=; no amino-acid change (isoleucine 997 retained).
Molecular consequence: synonymous variant. On other transcripts: non-coding transcript variant (2).
Genome position (GRCh38, 1-based): chr7:150,947,489, A>T on the plus strand (T>A on the coding strand, the complement: KCNH2 is on the minus strand). VCF-style: chr7-150947489-A-T. GRCh37 (hg19) VCF-style: chr7-150644577-A-T.
Other names: c.2703T>A, p.Ile901= (NM_001406753.1); c.1971T>A, p.Ile657= (NM_172057.3).
Identifiers: ClinVar variation 2729729 (VCV002729729.3), dbSNP rs2486005251, ClinGen allele CA458644950.

ClinVar aggregate classification (germline): Uncertain significance (1 of 4 stars; one submission).

Conditions:
Long QT syndrome (LQTS). Identifiers: MedGen C0023976, MeSH D008133, MONDO:0002442. Disease mechanism: loss of function. Inheritance: Various modes of inheritance.

Submission:

Labcorp Genetics (formerly Invitae), Labcorp
Classification: Uncertain significance for Long QT syndrome. Last evaluated: 2023-06-27. Review status: criteria provided, single submitter. Criteria: Invitae Variant Classification Sherloc (09022015). Collection method: clinical testing. Allele origin: germline.
Comment: In summary, the available evidence is currently insufficient to determine the role of this variant in disease. Therefore, it has been classified as a Variant of Uncertain Significance. Algorithms developed to predict the effect of sequence changes on RNA splicing suggest that this variant may disrupt the consensus splice site. This variant has not been reported in the literature in individuals affected with KCNH2-related conditions. This variant is not present in population databases (gnomAD no frequency). This sequence change affects codon 997 of the KCNH2 mRNA. It is a 'silent' change, meaning that it does not change the encoded amino acid sequence of the KCNH2 protein.